The following is an entry in ClinVar:

NM_000071.3(CBS):c.1150A>G (p.Lys384Glu)

Gene: CBS (cystathionine beta-synthase; minus strand). Cytogenetic location: 21q22.3.
Variant type: single nucleotide variant.
Coding change: c.1150A>G on transcript NM_000071.3 (MANE Select); coding-DNA position 1150, A replaced by G.
Protein change: p.Lys384Glu; replaces lysine 384 with glutamic acid.
Molecular consequence: missense variant.
Genome position (GRCh38, 1-based): chr21:43,059,299, T>C on the plus strand (A>G on the coding strand, the complement: CBS is on the minus strand). VCF-style: chr21-43059299-T-C. GRCh37 (hg19) VCF-style: chr21-44479409-T-C.
Other names: c.1150A>G, p.Lys384Glu (NM_001178008.3, NM_001178009.3, NM_001320298.2); c.835A>G, p.Lys279Glu (NM_001321072.1); short protein forms K384E, K279E.
Identifiers: ClinVar variation 123 (VCV000000123.4), dbSNP rs121964967, ClinGen allele CA113887.
Genomic context (GRCh38, chr21:43,059,299, plus strand): 5'-CCGTGAGGTCCTCCTCCTTCAGAAAGCCCTTCTGCAGCATCCACCTGTCGCTCAGGAACT[T>C]GGTCCTGCGGGATGGGGGAGTCACCGAGTCCCCGCAGGGCCCCACCGGGCCCCCGCCCCT-3'
Protein context (NP_000062.1, residues 374-394): LPDSVRNYMT[Lys384Glu]FLSDRWMLQK

ClinVar aggregate classification (germline): Likely pathogenic. Review status: criteria provided, single submitter (1 of 4 stars). 2 submissions from 2 submitters: Likely pathogenic (1). 1 of the submissions does not count toward it. Last evaluated 2025-10-02.

Conditions:
Homocystinuria, pyridoxine-responsive. Identifiers: MedGen C3502110.
HYPERHOMOCYSTEINEMIA, THROMBOTIC, CBS-RELATED. Identifiers: MedGen C3150344, OMIM 236200.

Submissions (2):

Labcorp Genetics (formerly Invitae), Labcorp
Classification: Likely pathogenic for HYPERHOMOCYSTEINEMIA, THROMBOTIC, CBS-RELATED. Last evaluated: 2025-10-02. Review status: criteria provided, single submitter. Criteria: Invitae Variant Classification Sherloc (09022015). Collection method: clinical testing. Allele origin: germline.
Comment: This sequence change replaces lysine, which is basic and polar, with glutamic acid, which is acidic and polar, at codon 384 of the CBS protein (p.Lys384Glu). This variant is not present in population databases (gnomAD no frequency). This missense change has been observed in individual(s) with homocystinuria (PMID: 8990018). ClinVar contains an entry for this variant (Variation ID: 123). Invitae Evidence Modeling of protein sequence and biophysical properties (such as structural, functional, and spatial information, amino acid conservation, physicochemical variation, residue mobility, and thermodynamic stability) indicates that this missense variant is expected to disrupt CBS protein function with a positive predictive value of 95%. Experimental studies have shown that this missense change affects CBS function (PMID: 37949228). In summary, the currently available evidence indicates that the variant is pathogenic, but additional data are needed to prove that conclusively. Therefore, this variant has been classified as Likely Pathogenic.

OMIM
Classification: Pathogenic for HOMOCYSTINURIA, PYRIDOXINE-RESPONSIVE. Last evaluated: 1997-01-01. Review status: no assertion criteria provided. Collection method: literature only. Allele origin: germline. Not counted in ClinVar's aggregate classification.

Literature cited by the submitters: PubMed 8990018 (cited by Labcorp Genetics (formerly Invitae), Labcorp and OMIM); PubMed 37949228 (cited by Labcorp Genetics (formerly Invitae), Labcorp).